The following is an entry in ClinVar:

NM_001130438.3(SPTAN1):c.6367G>A (p.Val2123Met)

Gene: SPTAN1 (spectrin alpha, non-erythrocytic 1; plus strand). Cytogenetic location: 9q34.11.
Variant type: single nucleotide variant.
Coding change: c.6367G>A on transcript NM_001130438.3 (MANE Select); coding-DNA position 6367, G replaced by A.
Protein change: p.Val2123Met; replaces valine 2123 with methionine.
Molecular consequence: missense variant.
Genome position (GRCh38, 1-based): chr9:128,626,478, G>A. VCF-style: chr9-128626478-G-A. GRCh37 (hg19) VCF-style: chr9-131388757-G-A.
Other names: c.6292G>A, p.Val2098Met (NM_001438441.1, NM_001195532.2, NM_001438444.1); c.6307G>A, p.Val2103Met (NM_001438442.1, NM_001363765.2, NM_001375314.2); c.6352G>A, p.Val2118Met (NM_001438443.1, NM_001438445.1, NM_003127.4); c.6367G>A, p.Val2123Met (NM_001363759.2, NM_001375310.1, NM_001375311.2 and 1 more transcripts); c.6403G>A, p.Val2135Met (NM_001375312.2, NM_001375318.1, NM_001438440.1); short protein forms V2098M, V2103M, V2118M, V2123M, V2135M.
Identifiers: ClinVar variation 4282295 (VCV004282295.3).

ClinVar aggregate classification (germline): Uncertain significance. Review status: criteria provided, multiple submitters, no conflicts (2 of 4 stars). 2 submissions from 2 submitters: Uncertain significance (2). Last evaluated 2025-11-20.

gnomAD v4.1: 2 of 1,614,150 alleles (0.00012%); highest among the groups gnomAD compares: Non-Finnish European, 0.00017%; no homozygotes.

Submissions (2):

GeneDx
Classification: Uncertain significance. Last evaluated: 2025-11-20. Review status: criteria provided, single submitter. Criteria: GeneDx Variant Classification Process June 2021. Collection method: clinical testing. Allele origin: germline.
Comment: Not observed at significant frequency in large population cohorts (gnomAD); In silico analysis supports that this missense variant has a deleterious effect on protein structure/function; Has not been previously published as pathogenic or benign to our knowledge

Blueprint Genetics
Classification: Uncertain significance. Last evaluated: 2022-12-28. Review status: criteria provided, single submitter. Criteria: ACMG Guidelines, 2015. Collection method: clinical testing. Allele origin: germline.